The following is an entry in ClinVar:

ClinVar aggregate classification (germline): Uncertain significance (1 of 4 stars; one submission).

Conditions:
ADNP-related disorder. Also called: ADNP-related condition.

gnomAD v4.1: 4 of 1,613,778 alleles (0.00025%); highest among the groups gnomAD compares: East Asian, 0.0045%; no homozygotes.

Submission:

PreventionGenetics, part of Exact Sciences
Classification: Uncertain significance for ADNP-related condition. Last evaluated: 2026-01-13. Review status: criteria provided, single submitter. Criteria: ACMG Guidelines, 2015. Collection method: clinical testing. Allele origin: germline.
Comment: The ADNP c.1226C>T variant is predicted to result in the amino acid substitution p.Ser409Phe. To our knowledge, this variant has not been reported in the literature or in a large population database (gnomAD), indicating this variant is rare. At this time, the clinical significance of this variant is uncertain due to the absence of conclusive functional and genetic evidence.

NM_001282531.3(ADNP):c.1226C>T (p.Ser409Phe)

Gene: ADNP (activity dependent neuroprotector homeobox; minus strand). Cytogenetic location: 20q13.13.
Variant type: single nucleotide variant.
Coding change: c.1226C>T on transcript NM_001282531.3 (MANE Select); coding-DNA position 1226, C replaced by T.
Protein change: p.Ser409Phe; replaces serine 409 with phenylalanine.
Molecular consequence: missense variant.
Genome position (GRCh38, 1-based): chr20:50,893,488, G>A on the plus strand (C>T on the coding strand, the complement: ADNP is on the minus strand). VCF-style: chr20-50893488-G-A. GRCh37 (hg19) VCF-style: chr20-49510025-G-A.
Other names: c.1226C>T, p.Ser409Phe (NM_001282532.2, NM_001347511.2, NM_015339.5 and 1 more transcripts); c.1442C>T, p.Ser481Phe (NM_001439000.1); c.542C>T, p.Ser181Phe (NM_001439001.1); short protein forms S181F, S481F, S409F.
Identifiers: ClinVar variation 4979033 (VCV004979033.1).